The following is an entry in ClinVar:

ClinVar aggregate classification (germline): Uncertain significance (1 of 4 stars; one submission).

Conditions:
Spermatogenic failure 18. Identifiers: MedGen C4539783, MONDO:0054615, OMIM 617576.
Ciliary dyskinesia, primary, 37 (CILD37). Also called: CILIARY DYSKINESIA, PRIMARY, 37, WITH OR WITHOUT SITUS INVERSUS. Identifiers: MedGen C4539798, MONDO:0033204, OMIM 617577.

Allele frequency attached by ClinVar (database versions not stated): ExAC 0.00001.
gnomAD v4.1: 11 of 1,613,310 alleles (0.00068%); highest among the groups gnomAD compares: Admixed American, 0.005%; no homozygotes.

Submission:

Labcorp Genetics (formerly Invitae), Labcorp
Classification: Uncertain significance for Ciliary dyskinesia, primary, 37; Spermatogenic failure 18. Last evaluated: 2021-02-19. Review status: criteria provided, single submitter. Criteria: Invitae Variant Classification Sherloc (09022015). Collection method: clinical testing. Allele origin: germline.
Comment: In summary, the available evidence is currently insufficient to determine the role of this variant in disease. Therefore, it has been classified as a Variant of Uncertain Significance. Algorithms developed to predict the effect of missense changes on protein structure and function are either unavailable or do not agree on the potential impact of this missense change (SIFT: "Deleterious"; PolyPhen-2: "Possibly Damaging"; Align-GVGD: "Class C0"). This variant has not been reported in the literature in individuals with DNAH1-related conditions. This variant is present in population databases (rs761944371, ExAC 0.007%). This sequence change replaces glutamic acid with lysine at codon 2744 of the DNAH1 protein (p.Glu2744Lys). The glutamic acid residue is highly conserved and there is a small physicochemical difference between glutamic acid and lysine.

NM_015512.5(DNAH1):c.8230G>A (p.Glu2744Lys)

Gene: DNAH1 (dynein axonemal heavy chain 1; plus strand). Cytogenetic location: 3p21.1.
Variant type: single nucleotide variant.
Coding change: c.8230G>A on transcript NM_015512.5 (MANE Select); coding-DNA position 8230, G replaced by A.
Protein change: p.Glu2744Lys; replaces glutamic acid 2744 with lysine.
Molecular consequence: missense variant.
Genome position (GRCh38, 1-based): chr3:52,383,939, G>A. VCF-style: chr3-52383939-G-A. GRCh37 (hg19) VCF-style: chr3-52417955-G-A.
Other names: short protein forms E2744K.
Identifiers: ClinVar variation 1370557 (VCV001370557.6), dbSNP rs761944371, ClinGen allele CA2435145.